The following is an entry in ClinVar:

NM_130468.4(CHST14):c.61G>T (p.Ala21Ser)

Genes: CHST14 (carbohydrate sulfotransferase 14; plus strand), LOC130056851 (ATAC-STARR-seq lymphoblastoid silent region 6336; plus strand). Cytogenetic location: 15q15.1.
Variant type: single nucleotide variant.
Coding change: c.61G>T on transcript NM_130468.4 (MANE Select); coding-DNA position 61, G replaced by T.
Protein change: p.Ala21Ser; replaces alanine 21 with serine.
Molecular consequence: missense variant.
Genome position (GRCh38, 1-based): chr15:40,471,274, G>T. VCF-style: chr15-40471274-G-T. GRCh37 (hg19) VCF-style: chr15-40763473-G-T.
Other names: short protein forms A21S.
Identifiers: ClinVar variation 1752178 (VCV001752178.2), dbSNP rs1894339727, ClinGen allele CA391762007.

ClinVar aggregate classification (germline): Uncertain significance (1 of 4 stars; one submission).

Conditions:
Cardiovascular phenotype. Identifiers: MedGen CN230736.

Submission:

Ambry Genetics
Classification: Uncertain significance for Cardiovascular phenotype. Last evaluated: 2021-11-09. Review status: criteria provided, single submitter. Criteria: Ambry Variant Classification Scheme 2023. Collection method: clinical testing. Allele origin: germline.
Comment: The p.A21S variant (also known as c.61G>T), located in coding exon 1 of the CHST14 gene, results from a G to T substitution at nucleotide position 61. The alanine at codon 21 is replaced by serine, an amino acid with similar properties. This amino acid position is conserved. In addition, this alteration is predicted to be tolerated by in silico analysis. Since supporting evidence is limited at this time, the clinical significance of this alteration remains unclear.